The following is an entry in ClinVar:

ClinVar aggregate classification (germline): Uncertain significance. Review status: criteria provided, multiple submitters, no conflicts (2 of 4 stars). 2 submissions from 2 submitters: Uncertain significance (2). Last evaluated 2025-12-19.

Conditions:
Hereditary cancer-predisposing syndrome. Also called: Hereditary neoplastic syndrome; Tumor predisposition; Hereditary Cancer Syndrome; Neoplastic Syndromes, Hereditary. Identifiers: Orphanet 140162, MedGen C0027672, MeSH D009386, MONDO:0015356.
Multiple endocrine neoplasia, type 1 (MEN1). Also called: MEN I; WERMER SYNDROME; Endocrine adenomatosis multiple; MEN 1; MEA I. Identifiers: Orphanet 652, MedGen C0025267, MeSH D018761, MONDO:0007540, OMIM 131100.

Allele frequency attached by ClinVar (database versions not stated): TOPMed below 0.00001.

Submissions (2):

Labcorp Genetics (formerly Invitae), Labcorp
Classification: Uncertain significance for Multiple endocrine neoplasia, type 1. Last evaluated: 2025-12-19. Review status: criteria provided, single submitter. Criteria: Invitae Variant Classification Sherloc (09022015). Collection method: clinical testing. Allele origin: germline.
Comment: This sequence change replaces threonine, which is neutral and polar, with isoleucine, which is neutral and non-polar, at codon 521 of the MEN1 protein (p.Thr521Ile). This variant is not present in population databases (gnomAD no frequency). This variant has not been reported in the literature in individuals affected with MEN1-related conditions. ClinVar contains an entry for this variant (Variation ID: 578449). Invitae Evidence Modeling of protein sequence and biophysical properties (such as structural, functional, and spatial information, amino acid conservation, physicochemical variation, residue mobility, and thermodynamic stability) indicates that this missense variant is not expected to disrupt MEN1 protein function with a negative predictive value of 95%. In summary, the available evidence is currently insufficient to determine the role of this variant in disease. Therefore, it has been classified as a Variant of Uncertain Significance.

Ambry Genetics
Classification: Uncertain significance for Hereditary cancer-predisposing syndrome. Last evaluated: 2025-07-12. Review status: criteria provided, single submitter. Criteria: Ambry Variant Classification Scheme 2023. Collection method: clinical testing. Allele origin: germline.
Comment: The p.T521I variant (also known as c.1562C>T), located in coding exon 9 of the MEN1 gene, results from a C to T substitution at nucleotide position 1562. The threonine at codon 521 is replaced by isoleucine, an amino acid with similar properties. This amino acid position is conserved. In addition, this alteration is predicted to be tolerated by in silico analysis. Since supporting evidence is limited at this time, the clinical significance of this alteration remains unclear.

NM_001370259.2(MEN1):c.1562C>T (p.Thr521Ile)

Gene: MEN1 (menin 1; minus strand). Cytogenetic location: 11q13.1.
Variant type: single nucleotide variant.
Coding change: c.1562C>T on transcript NM_001370259.2 (MANE Select); coding-DNA position 1562, C replaced by T.
Protein change: p.Thr521Ile; replaces threonine 521 with isoleucine.
Molecular consequence: missense variant.
Genome position (GRCh38, 1-based): chr11:64,804,605, G>A on the plus strand (C>T on the coding strand, the complement: MEN1 is on the minus strand). VCF-style: chr11-64804605-G-A. GRCh37 (hg19) VCF-style: chr11-64572077-G-A.
Other names: c.1577C>T, p.Thr526Ile (NM_000244.4, NM_130800.3, NM_130801.3 and 3 more transcripts); c.1688C>T, p.Thr563Ile (NM_001370251.2); c.1562C>T, p.Thr521Ile (NM_001370260.2, NM_001370261.2, NM_130799.3); c.1457C>T, p.Thr486Ile (NM_001370262.2, NM_001370263.2); short protein forms T521I, T526I, T486I, T563I.
Identifiers: ClinVar variation 578449 (VCV000578449.13), dbSNP rs1565636898, ClinGen allele CA381178473.